The following is an entry in ClinVar:

ClinVar aggregate classification (germline): Likely benign (1 of 4 stars; one submission).

Submission:

GeneDx
Classification: Likely benign. Last evaluated: 2017-10-25. Review status: criteria provided, single submitter. Criteria: GeneDx Variant Classification (06012015). Collection method: clinical testing. Allele origin: germline. Affected: yes.
Comment: This variant is considered likely benign or benign based on one or more of the following criteria: it is a conservative change, it occurs at a poorly conserved position in the protein, it is predicted to be benign by multiple in silico algorithms, and/or has population frequency not consistent with disease.

NM_001999.4(FBN2):c.7595-18G>C

Gene: FBN2 (fibrillin 2; minus strand). Cytogenetic location: 5q23.3.
Variant type: single nucleotide variant.
Coding change: c.7595-18G>C on transcript NM_001999.4 (MANE Select); 18 bases into the intron before coding-DNA position 7595, G replaced by C.
Molecular consequence: intron variant.
Genome position (GRCh38, 1-based): chr5:128,274,701, C>G on the plus strand (G>C on the coding strand, the complement: FBN2 is on the minus strand). VCF-style: chr5-128274701-C-G. GRCh37 (hg19) VCF-style: chr5-127610393-C-G.
Identifiers: ClinVar variation 512868 (VCV000512868.1), dbSNP rs1554116721, ClinGen allele CA658796627.